The following is an entry in ClinVar:

ClinVar aggregate classification (germline): Uncertain significance. Review status: criteria provided, multiple submitters, no conflicts (2 of 4 stars). 3 submissions from 3 submitters: Uncertain significance (3). Last evaluated 2026-02-19.

Conditions:
Frasier syndrome. Identifiers: Orphanet 347, MedGen C0950122, MeSH D052159, MONDO:0007635, OMIM 136680.
Drash syndrome (DDS). Also called: NEPHROPATHY, WILMS TUMOR, AND GENITAL ANOMALIES; WILMS TUMOR AND PSEUDO- OR TRUE HERMAPHRODITISM. Identifiers: Orphanet 220, MedGen C0950121, MONDO:0008682, OMIM 194080.
Wilms tumor 1 (WT1). Also called: Wilms tumor, somatic. Identifiers: Orphanet 654, MedGen CN033288, MONDO:0008679, OMIM 194070.
11p partial monosomy syndrome (WAGR). Also called: WAGR Complex; CHROMOSOME 11p13 DELETION SYNDROME; WAGR Spectrum Disorder; WAGR syndrome. Identifiers: Orphanet 893, MedGen C0206115, MONDO:0008681, OMIM 194072.
Inborn genetic diseases. Identifiers: MedGen C0950123, MeSH D030342.

Allele frequency attached by ClinVar (database versions not stated): gnomAD exomes below 0.00001; TOPMed below 0.00001; gnomAD 0.00001.
gnomAD v4.1: 3 of 1,611,740 alleles (0.00019%); highest among the groups gnomAD compares: African/African-American, 0.0013%; no homozygotes.

Submissions (3):

Ambry Genetics
Classification: Uncertain significance for Inborn genetic diseases. Last evaluated: 2026-02-19. Review status: criteria provided, single submitter. Criteria: Ambry Variant Classification Scheme 2023. Collection method: clinical testing. Allele origin: germline.
Comment: The p.G279S variant (also known as c.835G>A), located in coding exon 3 of the WT1 gene, results from a G to A substitution at nucleotide position 835. The glycine at codon 279 is replaced by serine, an amino acid with similar properties. This amino acid position is well conserved in available vertebrate species. In addition, this alteration is predicted to be tolerated by in silico analysis. Based on the available evidence, the clinical significance of this variant remains unclear.

Labcorp Genetics (formerly Invitae), Labcorp
Classification: Uncertain significance for Wilms tumor 1; Drash syndrome; 11p partial monosomy syndrome; Frasier syndrome. Last evaluated: 2025-10-01. Review status: criteria provided, single submitter. Criteria: Invitae Variant Classification Sherloc (09022015). Collection method: clinical testing. Allele origin: germline.
Comment: This sequence change replaces glycine, which is neutral and non-polar, with serine, which is neutral and polar, at codon 279 of the WT1 protein (p.Gly279Ser). This variant is not present in population databases (gnomAD no frequency). This variant has not been reported in the literature in individuals affected with WT1-related conditions. ClinVar contains an entry for this variant (Variation ID: 656650). Invitae Evidence Modeling of protein sequence and biophysical properties (such as structural, functional, and spatial information, amino acid conservation, physicochemical variation, residue mobility, and thermodynamic stability) indicates that this missense variant is not expected to disrupt WT1 protein function with a negative predictive value of 95%. In summary, the available evidence is currently insufficient to determine the role of this variant in disease. Therefore, it has been classified as a Variant of Uncertain Significance.

Baylor Genetics
Classification: Uncertain significance for Drash syndrome. Last evaluated: 2023-11-08. Review status: criteria provided, single submitter. Criteria: ACMG Guidelines, 2015. Collection method: clinical testing. Allele origin: unknown.

NM_024426.6(WT1):c.850G>A (p.Gly284Ser)

Gene: WT1 (WT1 transcription factor; minus strand). Cytogenetic location: 11p13.
Variant type: single nucleotide variant.
Coding change: c.850G>A on transcript NM_024426.6 (MANE Select); coding-DNA position 850, G replaced by A.
Protein change: p.Gly284Ser; replaces glycine 284 with serine.
Molecular consequence: missense variant. On other transcripts: non-coding transcript variant (1).
Genome position (GRCh38, 1-based): chr11:32,427,993, C>T on the plus strand (G>A on the coding strand, the complement: WT1 is on the minus strand). VCF-style: chr11-32427993-C-T. GRCh37 (hg19) VCF-style: chr11-32449539-C-T.
Other names: c.850G>A, p.Gly284Ser (NM_000378.6, NM_001407044.1, NM_001407045.1 and 4 more transcripts); c.199G>A, p.Gly67Ser (NM_001198551.2, NM_001198552.2); c.727G>A, p.Gly243Ser (NM_001407047.1, NM_001407050.1); c.88G>A, p.Gly30Ser (NM_001407051.1); c.835G>A, p.Gly279Ser (NM_024425.2); short protein forms G67S, G284S, G243S, G279S, G30S.
Identifiers: ClinVar variation 656650 (VCV000656650.14), dbSNP rs1271732325, ClinGen allele CA379962918.